The following is an entry in ClinVar:

ClinVar aggregate classification (germline): Likely benign. Review status: criteria provided, multiple submitters, no conflicts (2 of 4 stars). 4 submissions from 4 submitters: Likely benign (4). Last evaluated 2025-08-18.

Allele frequency attached by ClinVar (database versions not stated): ESP Exome Variant Server 0.00268; TOPMed 0.00279; 1000 Genomes Project 30x 0.00281; ExAC 0.00356; 1000 Genomes Project 0.00260.
gnomAD v4.1: 7,638 of 1,612,608 alleles (0.47%); highest among the groups gnomAD compares: South Asian, 0.54%; 40 homozygotes.

Submissions (4):

Genomic Medicine Center of Excellence, King Faisal Specialist Hospital and Research Centre
Classification: Likely benign. Last evaluated: 2025-08-18. Review status: criteria provided, single submitter. Criteria: ACMG Guidelines, 2015. Collection method: clinical testing. Allele origin: germline.

CeGaT Center for Human Genetics Tuebingen
Classification: Likely benign. Last evaluated: 2024-10-01. Review status: criteria provided, single submitter. Criteria: CeGaT Center For Human Genetics Tuebingen Variant Classification Criteria Version 2. Collection method: clinical testing. Allele origin: germline. Affected: yes. Observed: 1 variant allele.
Comment: TPR: BS2

Labcorp Genetics (formerly Invitae), Labcorp
Classification: Likely benign. Last evaluated: 2018-07-06. Review status: criteria provided, single submitter. Criteria: Invitae Variant Classification Sherloc (09022015). Collection method: clinical testing. Allele origin: germline.

Breakthrough Genomics
Classification: Likely benign. Review status: criteria provided, single submitter. Criteria: ACMG Guidelines, 2015. Collection method: not provided. Allele origin: germline. Inheritance: Unknown mechanism. Affected: yes.

NM_003292.3(TPR):c.5495G>A (p.Arg1832His)

Gene: TPR (translocated promoter region, nuclear basket protein; minus strand). Cytogenetic location: 1q31.1.
Variant type: single nucleotide variant.
Coding change: c.5495G>A on transcript NM_003292.3 (MANE Select); coding-DNA position 5495, G replaced by A.
Protein change: p.Arg1832His; replaces arginine 1832 with histidine.
Molecular consequence: missense variant.
Genome position (GRCh38, 1-based): chr1:186,332,304, C>T on the plus strand (G>A on the coding strand, the complement: TPR is on the minus strand). VCF-style: chr1-186332304-C-T. GRCh37 (hg19) VCF-style: chr1-186301436-C-T.
Other names: short protein forms R1832H.
Identifiers: ClinVar variation 770682 (VCV000770682.18), dbSNP rs115482159, ClinGen allele CA1297333.
Genomic context (GRCh38, chr1:186,332,304, plus strand): 5'-TCCACTGTATCATCAGAGACTTGGTCTGATGCTTCTATGGTGCTATCCTCTTCCTCTTCA[C>T]GTGTACGCTTTGGCAAAGAAGAACTGGGGGTAGCCGAAACTTTGAAATTATATAAATCTT-3'
Protein context (NP_003283.2, residues 1822-1842): TPSSSLPKRT[Arg1832His]EEEEDSTIEA